The following is an entry in ClinVar:

ClinVar aggregate classification (germline): Uncertain significance. Review status: criteria provided, multiple submitters, no conflicts (2 of 4 stars). 2 submissions from 2 submitters: Uncertain significance (2). Last evaluated 2024-12-11.

Allele frequency attached by ClinVar (database versions not stated): gnomAD exomes 0.00002.
gnomAD v4.1: 9 of 1,551,604 alleles (0.00058%); highest among the groups gnomAD compares: Non-Finnish European, 0.00078%; no homozygotes.

Submissions (2):

Ambry Genetics
Classification: Uncertain significance. Last evaluated: 2024-12-11. Review status: criteria provided, single submitter. Criteria: Ambry Variant Classification Scheme 2023. Collection method: clinical testing. Allele origin: germline.

Labcorp Genetics (formerly Invitae), Labcorp
Classification: Uncertain significance. Last evaluated: 2021-08-28. Review status: criteria provided, single submitter. Criteria: Invitae Variant Classification Sherloc (09022015). Collection method: clinical testing. Allele origin: germline.
Comment: This variant has not been reported in the literature in individuals affected with KPNA7-related conditions. The frequency data for this variant in the population databases is considered unreliable, as metrics indicate poor data quality at this position in the ExAC database. This sequence change replaces glutamine with lysine at codon 503 of the KPNA7 protein (p.Gln503Lys). The glutamine residue is weakly conserved and there is a small physicochemical difference between glutamine and lysine. Algorithms developed to predict the effect of missense changes on protein structure and function (SIFT, PolyPhen-2, Align-GVGD) all suggest that this variant is likely to be tolerated. In summary, the available evidence is currently insufficient to determine the role of this variant in disease. Therefore, it has been classified as a Variant of Uncertain Significance.

NM_001145715.3(KPNA7):c.1507C>A (p.Gln503Lys)

Gene: KPNA7 (karyopherin subunit alpha 7; minus strand). Cytogenetic location: 7q22.1.
Variant type: single nucleotide variant.
Coding change: c.1507C>A on transcript NM_001145715.3 (MANE Select); coding-DNA position 1507, C replaced by A.
Protein change: p.Gln503Lys; replaces glutamine 503 with lysine.
Molecular consequence: missense variant.
Genome position (GRCh38, 1-based): chr7:99,173,752, G>T on the plus strand (C>A on the coding strand, the complement: KPNA7 is on the minus strand). VCF-style: chr7-99173752-G-T. GRCh37 (hg19) VCF-style: chr7-98771375-G-T.
Other names: c.1507C>A (NM_001145715.1); short protein forms Q503K.
Identifiers: ClinVar variation 1422044 (VCV001422044.7), dbSNP rs774947420, ClinGen allele CA4363082.
Genomic context (GRCh38, chr7:99,173,752, plus strand): 5'-GAGGTAGGGAGCTTGGCTATTTTTTTGCTAAGCATTCATAATCTATAAATTCATAATCTT[G>T]GTCTATGACTTGGCTCAGTAAAGTTTGGCTCTCATCTTCTTCCTTCAGGAGAGAATAGAC-3'
Protein context (NP_001139187.1, residues 493-513): SQTLLSQVID[Gln503Lys]DYEFIDYECL